The following is an entry in ClinVar:

ClinVar aggregate classification (germline): Conflicting classifications of pathogenicity. Review status: criteria provided, conflicting classifications (1 of 4 stars). 3 submissions from 3 submitters: Uncertain significance (2); Likely benign (1). Last evaluated 2025-07-22.

Conditions:
Hereditary breast ovarian cancer syndrome. Also called: Hereditary breast and ovarian cancer; Hereditary breast and ovarian cancer syndrome; Hereditary breast and/or ovarian cancer syndrome; BRCA1- and BRCA2-Associated Hereditary Breast and Ovarian Cancer; Hereditary breast and ovarian cancer syndrome (HBOC); Breast and ovarian cancer. Identifiers: Orphanet 145, MedGen C0677776, MeSH D061325, MONDO:0003582. Disease mechanism: loss of function.
Hereditary cancer-predisposing syndrome. Also called: Tumor predisposition; Hereditary neoplastic syndrome; Hereditary Cancer Syndrome; Neoplastic Syndromes, Hereditary. Identifiers: Orphanet 140162, MedGen C0027672, MeSH D009386, MONDO:0015356.

Allele frequency attached by ClinVar (database versions not stated): gnomAD exomes below 0.00001.
gnomAD v4.1: 1 of 1,614,166 alleles (0.000062%); highest among the groups gnomAD compares: Non-Finnish European, 0.000085%; no homozygotes.

Submissions (3):

Ambry Genetics
Classification: Likely benign for Hereditary cancer-predisposing syndrome. Last evaluated: 2025-07-22. Review status: criteria provided, single submitter. Criteria: Ambry Variant Classification Scheme 2023. Collection method: clinical testing. Allele origin: germline.

Color Diagnostics, LLC DBA Color Health
Classification: Uncertain significance for Hereditary cancer-predisposing syndrome. Last evaluated: 2024-03-06. Review status: criteria provided, single submitter. Criteria: ACMG Guidelines, 2015. Collection method: clinical testing. Allele origin: germline.
Comment: This missense variant replaces proline with serine at codon 3373 of the BRCA2 protein. Computational prediction suggests that this variant may not impact protein structure and function (internally defined REVEL score threshold <= 0.5, PMID: 27666373). To our knowledge, functional studies have not been reported for this variant. This variant has not been reported in individuals affected with hereditary cancer in the literature. This variant has not been identified in the general population by the Genome Aggregation Database (gnomAD). The available evidence is insufficient to determine the role of this variant in disease conclusively. Therefore, this variant is classified as a Variant of Uncertain Significance.

Labcorp Genetics (formerly Invitae), Labcorp
Classification: Uncertain significance for Hereditary breast ovarian cancer syndrome. Last evaluated: 2022-11-04. Review status: criteria provided, single submitter. Criteria: Invitae Variant Classification Sherloc (09022015). Collection method: clinical testing. Allele origin: germline.
Comment: In summary, the available evidence is currently insufficient to determine the role of this variant in disease. Therefore, it has been classified as a Variant of Uncertain Significance. Advanced modeling of protein sequence and biophysical properties (such as structural, functional, and spatial information, amino acid conservation, physicochemical variation, residue mobility, and thermodynamic stability) performed at Invitae indicates that this missense variant is not expected to disrupt BRCA2 protein function. ClinVar contains an entry for this variant (Variation ID: 1172346). This variant has not been reported in the literature in individuals affected with BRCA2-related conditions. This variant is not present in population databases (gnomAD no frequency). This sequence change replaces proline, which is neutral and non-polar, with serine, which is neutral and polar, at codon 3373 of the BRCA2 protein (p.Pro3373Ser).

NM_000059.4(BRCA2):c.10117C>T (p.Pro3373Ser)

Gene: BRCA2 (BRCA2 DNA repair associated; plus strand). Cytogenetic location: 13q13.1.
Variant type: single nucleotide variant.
Coding change: c.10117C>T on transcript NM_000059.4 (MANE Select); coding-DNA position 10117, C replaced by T.
Protein change: p.Pro3373Ser; replaces proline 3373 with serine.
Molecular consequence: missense variant.
Genome position (GRCh38, 1-based): chr13:32,398,630, C>T. VCF-style: chr13-32398630-C-T. GRCh37 (hg19) VCF-style: chr13-32972767-C-T.
Other names: short protein forms P3373S.
Identifiers: ClinVar variation 1172346 (VCV001172346.7), dbSNP rs2137666781, ClinGen allele CA387768055.